The following is an entry in ClinVar:

ClinVar aggregate classification (germline): Uncertain significance. Review status: criteria provided, multiple submitters, no conflicts (2 of 4 stars). 3 submissions from 3 submitters: Uncertain significance (3). Last evaluated 2024-03-30.

Conditions:
Progressive myoclonic epilepsy. Also called: Familial progressive myoclonic epilepsy; Myoclonus epilepsy; Progressive myoclonus epilepsy; Myoclonic Epilepsies, Progressive. Identifiers: Orphanet 308, Orphanet 98261, MedGen C0751778, MONDO:0020074.
Inborn genetic diseases. Identifiers: MedGen C0950123, MeSH D030342.

Allele frequency attached by ClinVar (database versions not stated): gnomAD 0.00004; gnomAD exomes 0.00004; TOPMed 0.00005; 1000 Genomes Project 30x 0.00016.
gnomAD v4.1: 128 of 1,238,712 alleles (0.01%); highest among the groups gnomAD compares: Non-Finnish European, 0.012%; no homozygotes.

Submissions (3):

Ambry Genetics
Classification: Uncertain significance for Inborn genetic diseases. Last evaluated: 2024-03-30. Review status: criteria provided, single submitter. Criteria: Ambry Variant Classification Scheme 2023. Collection method: clinical testing. Allele origin: germline.

Labcorp Genetics (formerly Invitae), Labcorp
Classification: Uncertain significance for Progressive myoclonic epilepsy. Last evaluated: 2023-12-11. Review status: criteria provided, single submitter. Criteria: Invitae Variant Classification Sherloc (09022015). Collection method: clinical testing. Allele origin: germline.
Comment: This sequence change replaces proline, which is neutral and non-polar, with alanine, which is neutral and non-polar, at codon 34 of the EPM2A protein (p.Pro34Ala). The frequency data for this variant in the population databases is considered unreliable, as metrics indicate poor data quality at this position in the gnomAD database. This variant has not been reported in the literature in individuals affected with EPM2A-related conditions. ClinVar contains an entry for this variant (Variation ID: 205449). Advanced modeling of protein sequence and biophysical properties (such as structural, functional, and spatial information, amino acid conservation, physicochemical variation, residue mobility, and thermodynamic stability) has been performed at Invitae for this missense variant, however the output from this modeling did not meet the statistical confidence thresholds required to predict the impact of this variant on EPM2A protein function. In summary, the available evidence is currently insufficient to determine the role of this variant in disease. Therefore, it has been classified as a Variant of Uncertain Significance.

GeneDx
Classification: Uncertain significance. Last evaluated: 2021-02-26. Review status: criteria provided, single submitter. Criteria: GeneDx Variant Classification Process June 2021. Collection method: clinical testing. Allele origin: germline. Affected: yes.
Comment: Not observed at a significant frequency in large population cohorts (Lek et al., 2016); In silico analysis, which includes protein predictors and evolutionary conservation, supports that this variant does not alter protein structure/function; Has not been previously published as pathogenic or benign to our knowledge

NM_005670.4(EPM2A):c.100C>G (p.Pro34Ala)

Genes: EPM2A-DT (EPM2A divergent transcript; plus strand), EPM2A (EPM2A glucan phosphatase, laforin; minus strand), LOC129997381 (ATAC-STARR-seq lymphoblastoid silent region 17642; plus strand). Cytogenetic location: 6q24.3.
Variant type: single nucleotide variant.
Coding change: c.100C>G on transcript NM_005670.4 (MANE Select); coding-DNA position 100, C replaced by G.
Protein change: p.Pro34Ala; replaces proline 34 with alanine.
Molecular consequence: missense variant. On other transcripts: 5 prime UTR variant (3), intron variant (1).
Genome position (GRCh38, 1-based): chr6:145,735,399, G>C on the plus strand (C>G on the coding strand, the complement: EPM2A is on the minus strand). VCF-style: chr6-145735399-G-C. GRCh37 (hg19) VCF-style: chr6-146056535-G-C.
Other names: p.P34A:CCG>GCG; c.100C>G, p.Pro34Ala (NM_001018041.2, NM_001360057.2, NM_001368130.1); c.-570C>G (NM_001360071.2); c.-524C>G (NM_001368129.2); c.-268C>G (NM_001368131.1); c.-114+509C>G (NM_001360064.2); short protein forms P34A.
Identifiers: ClinVar variation 205449 (VCV000205449.12), dbSNP rs796052438, ClinGen allele CA314529.